The following is an entry in ClinVar:

NM_007294.4(BRCA1):c.213-15A>G

Gene: BRCA1 (BRCA1 DNA repair associated; minus strand). Cytogenetic location: 17q21.31.
Variant type: single nucleotide variant.
Coding change: c.213-15A>G on transcript NM_007294.4 (MANE Select); 15 bases into the intron before coding-DNA position 213, A replaced by G.
Molecular consequence: intron variant.
Genome position (GRCh38, 1-based): chr17:43,104,971, T>C on the plus strand (A>G on the coding strand, the complement: BRCA1 is on the minus strand). VCF-style: chr17-43104971-T-C. GRCh37 (hg19) VCF-style: chr17-41256988-T-C.
Other names: c.72-15A>G (NM_001408458.1, NM_001407931.1, NM_001407747.1 and 99 more transcripts); c.-218-10111A>G (NM_001407967.1, NM_001407966.1); c.-169-15A>G (NM_001407959.1, NM_001407962.1, NM_001408512.1 and 4 more transcripts); c.3-15A>G (NM_001407885.1, NM_001407886.1, NM_001407898.1 and 58 more transcripts); c.213-15A>G (NM_001407686.1, NM_001408397.1, NM_001407632.1 and 167 more transcripts); c.81-15A>G (NM_001408451.1); c.135-15A>G (NM_001408475.1, NM_001407875.1, NM_001407659.1 and 21 more transcripts).
Identifiers: ClinVar variation 267514 (VCV000267514.20), dbSNP rs886040903, ClinGen allele CA10602606.
Genomic context (GRCh38, chr17:43,104,971, plus strand): 5'-TAGCTCTTCAACAAGTTGACTAAATCTCGTACTTTCTTGTAGGCTCCTGAAATTAAATTG[T>C]TTGAGAAACACACTCAGCAAGTGATTATCAACCTTTTAAGGACACTAAAATAAGAAAAGA-3'

ClinVar aggregate classification (germline): Likely pathogenic. Review status: reviewed by expert panel (3 of 4 stars). 7 submissions from 7 submitters: Likely pathogenic (1). 6 of the submissions do not count toward it. Last evaluated 2026-07-15.

Conditions:
BRCA1-related cancer predisposition. Identifiers: MedGen CN377757, MONDO:0700268.
Hereditary breast ovarian cancer syndrome. Also called: Hereditary breast and ovarian cancer syndrome (HBOC); Breast and ovarian cancer; Hereditary breast and ovarian cancer syndrome; Hereditary breast and ovarian cancer; BRCA1- and BRCA2-Associated Hereditary Breast and Ovarian Cancer; Hereditary breast and/or ovarian cancer syndrome. Identifiers: Orphanet 145, MedGen C0677776, MeSH D061325, MONDO:0003582. Disease mechanism: loss of function.
Breast-ovarian cancer, familial, susceptibility to, 1 (BROVCA1). Also called: BRCA1 Hereditary Breast and Ovarian Cancer; OVARIAN CANCER, SUSCEPTIBILITY TO. Identifiers: Orphanet 145, MedGen C2676676, MONDO:0011450, OMIM 604370. Disease mechanism: loss of function.
Hereditary cancer-predisposing syndrome. Also called: Hereditary Cancer Syndrome; Neoplastic Syndromes, Hereditary; Hereditary neoplastic syndrome; Tumor predisposition. Identifiers: Orphanet 140162, MedGen C0027672, MeSH D009386, MONDO:0015356.

Submissions (7):

ClinGen ENIGMA BRCA1 and BRCA2 Variant Curation Expert Panel, ClinGen
Classification: Likely pathogenic for BRCA1-related cancer predisposition. Last evaluated: 2026-07-15. Review status: reviewed by expert panel. Criteria: CSpec BRCA1/2ACMG Rules Specifications V1.2. Collection method: curation. Allele origin: germline. Inheritance: Autosomal dominant inheritance.
Comment: The c.213-15A>G variant is an intronic variant occurring in intron 4(5) of the BRCA1 gene. This variant is absent from gnomAD v4.1 (read depth ≥25x in >90% samples, PM2_Supporting met). This BRCA1 intronic variant is located outside of the native donor and acceptor 1,2 splice sites, and has a SpliceAI score of 0.68, predicting an impact on splicing (score threshold ≥0.2) (PP3 not applied because a PVS1 code is met). This variant is reported to result in aberrant mRNA splicing. RT-PCR demonstrated that the variant impacts splicing by native splice site disruption and use of a cryptic site (PMID: 22505045). The effect on splicing leading to aberrant transcripts produced from the variant allele is stated to be complete. Final code strength determined by the rubric: PVS1 (RNA). In summary, this variant meets the criteria to be classified as a Likely pathogenic variant for BRCA1-related cancer predisposition based on the ACMG/AMP criteria applied as specified by the ENIGMA BRCA1/2 VCEP (PM2_Supporting, PVS1 (RNA)).

Ambry Genetics
Classification: Uncertain significance for Hereditary cancer-predisposing syndrome. Last evaluated: 2026-01-22. Review status: criteria provided, single submitter. Criteria: Ambry Variant Classification Scheme 2023. Collection method: clinical testing. Allele origin: germline. Not counted in ClinVar's aggregate classification.
Comment: The c.213-15A>G intronic variant results from an A to G substitution 15 nucleotides upstream from coding exon 4 in the BRCA1 gene. This variant has been reported in individuals with breast and ovarian cancers (Hata C et al. J Hum Genet, 2020 Jul;65:577-587; Li A et al. Gynecol Oncol, 2018 Oct;151:145-152). This nucleotide position is well conserved in available vertebrate species . In silico splice site analysis predicts that this alteration will weaken the native splice acceptor site and may result in the creation or strengthening of a novel splice acceptor site. RNA studies have demonstrated that this variant results in a splice defect; the clinical impact of this abnormal splicing is unknown at this time (Ambry internal data). Based on the available evidence, the clinical significance of this variant remains unclear.

Labcorp Genetics (formerly Invitae), Labcorp
Classification: Likely pathogenic for Hereditary breast ovarian cancer syndrome. Last evaluated: 2026-01-18. Review status: criteria provided, single submitter. Criteria: Invitae Variant Classification Sherloc (09022015). Collection method: clinical testing. Allele origin: germline. Not counted in ClinVar's aggregate classification.
Comment: This sequence change falls in intron 4 of the BRCA1 gene. It does not directly change the encoded amino acid sequence of the BRCA1 protein. RNA analysis indicates that this variant induces altered splicing and may result in an absent or altered protein product. This variant is not present in population databases (gnomAD no frequency). This variant has been observed in individual(s) with a personal and/or family history of breast and ovarian cancer (PMID: 22921157, 30078507, 32029870). This variant is also known as 332-15A>G. ClinVar contains an entry for this variant (Variation ID: 267514). Studies have shown that this variant alters mRNA splicing and is expected to lead to the loss of protein expression (PMID: 22505045; internal data). In summary, the currently available evidence indicates that the variant is pathogenic, but additional data are needed to prove that conclusively. Therefore, this variant has been classified as Likely Pathogenic.

Intergen Genetics and Rare Diseases Diagnosis Center
Classification: Likely pathogenic for Breast-ovarian cancer, familial, susceptibility to, 1. Last evaluated: 2024-07-05. Review status: criteria provided, single submitter. Criteria: ACMG Guidelines, 2015. Collection method: clinical testing. Allele origin: unknown. Inheritance: Autosomal dominant inheritance. Observed: 1 heterozygote. Not counted in ClinVar's aggregate classification.
Comment: RNA studies indicate that it may interfere with splicing. (PMID: 22505045)

Color Diagnostics, LLC DBA Color Health
Classification: Uncertain significance for Hereditary cancer-predisposing syndrome. Last evaluated: 2019-04-23. Review status: criteria provided, single submitter. Criteria: ACMG Guidelines, 2015. Collection method: clinical testing. Allele origin: germline. Not counted in ClinVar's aggregate classification.

GeneDx
Classification: Likely pathogenic. Last evaluated: 2017-06-08. Review status: criteria provided, single submitter. Criteria: GeneDx Variant Classification (06012015). Collection method: clinical testing. Allele origin: germline. Affected: yes. Not counted in ClinVar's aggregate classification.
Comment: This variant is denoted BRCA1 c.213-15A>G or IVS4-15A>G and consists of an A>G nucleotidesubstitution at the -15 position of intron 4 of the BRCA1 gene. This variant, previously published as BRCA1 332-15A>Gusing alternate nomenclature, has been reported in at least one individual with a family history of breast and ovariancancer (Reitsma 2013). While in silico splicing models are uninformative, transcript analysis reported by Houdayer etal. (2012) revealed BRCA1 c.213-15A>G to use a cryptic site 59 nucleotides upstream of the natural splice site and tohave a severe impact on splicing. BRCA1 c.213-15A>G was not observed in large population cohorts (Lek 2016, The1000 Genomes Consortium 2015, NHLBI Exome Sequencing Project). The adenine (A) nucleotide that is altered is notconserved. Based on the currently available information, we consider BRCA1 c.213-15A>G to be a likely pathogenicvariant.

Consortium of Investigators of Modifiers of BRCA1/2 (CIMBA), c/o University of Cambridge
Classification: Pathogenic for Breast-ovarian cancer, familial, susceptibility to, 1. Last evaluated: 2015-10-02. Review status: criteria provided, single submitter. Criteria: CIMBA Mutation Classification guidelines May 2016. Collection method: clinical testing. Allele origin: germline. Not counted in ClinVar's aggregate classification.

Literature cited by the submitters: PubMed 30078507 (cited by Ambry Genetics and Labcorp Genetics (formerly Invitae), Labcorp); PubMed 32029870 (cited by Ambry Genetics and Labcorp Genetics (formerly Invitae), Labcorp); PubMed 22921157 (cited by Labcorp Genetics (formerly Invitae), Labcorp); PubMed 22505045 (cited by Labcorp Genetics (formerly Invitae), Labcorp).